The following is an entry in ClinVar:

NM_001271.4(CHD2):c.4986C>T (p.His1662=)

Gene: CHD2 (chromodomain helicase DNA binding protein 2; plus strand). Cytogenetic location: 15q26.1.
Variant type: single nucleotide variant.
Coding change: c.4986C>T on transcript NM_001271.4 (MANE Select); coding-DNA position 4986, C replaced by T.
Protein change: p.His1662=; no amino-acid change (histidine 1662 retained).
Molecular consequence: synonymous variant.
Genome position (GRCh38, 1-based): chr15:93,020,091, C>T. VCF-style: chr15-93020091-C-T. GRCh37 (hg19) VCF-style: chr15-93563321-C-T.
Identifiers: ClinVar variation 506923 (VCV000506923.36), dbSNP rs139082993, ClinGen allele CA7748615.
Genomic context (GRCh38, chr15:93,020,091, plus strand): 5'-GGAAAGAAAGTTCAACTATGGTGGTGGCAACAACAATCCACCATGGGGAAGCGACAGGCA[C>T]CATCAGTATGAGCAGCACTGGTACAAGGACCACCATTATGGGGACCGGCGACATATGGAT-3'
Protein context (NP_001262.3, residues 1652-1672): NNNPPWGSDR[His1662=]HQYEQHWYKD

ClinVar aggregate classification (germline): Likely benign. Review status: criteria provided, multiple submitters, no conflicts (2 of 4 stars). 4 submissions from 4 submitters: Likely benign (4). Last evaluated 2025-06-29.

Conditions:
Developmental and epileptic encephalopathy 94 (DEE94). Also called: Epileptic encephalopathy, childhood-onset; CHD2-Related Neurodevelopmental Disorders. Identifiers: Orphanet 1942, Orphanet 2382, MedGen C3809278, MONDO:0014150, OMIM 615369.

Allele frequency attached by ClinVar (database versions not stated): ExAC 0.00002; gnomAD exomes 0.00004 and 0.00008; TOPMed 0.00004; gnomAD 0.00005 and 0.00006; ESP Exome Variant Server 0.00023.
gnomAD v4.1: 127 of 1,614,006 alleles (0.0079%); highest among the groups gnomAD compares: Non-Finnish European, 0.01%; no homozygotes.

Submissions (4):

Labcorp Genetics (formerly Invitae), Labcorp
Classification: Likely benign for Developmental and epileptic encephalopathy 94. Last evaluated: 2025-06-29. Review status: criteria provided, single submitter. Criteria: Invitae Variant Classification Sherloc (09022015). Collection method: clinical testing. Allele origin: germline.

Blueprint Genetics
Classification: Likely benign. Last evaluated: 2023-12-11. Review status: criteria provided, single submitter. Criteria: ACMG Guidelines, 2015. Collection method: clinical testing. Allele origin: germline.

CeGaT Center for Human Genetics Tuebingen
Classification: Likely benign. Last evaluated: 2023-02-01. Review status: criteria provided, single submitter. Criteria: CeGaT Center For Human Genetics Tuebingen Variant Classification Criteria Version 2. Collection method: clinical testing. Allele origin: germline. Affected: yes. Observed: 1 variant allele.
Comment: CHD2: BP4, BP7

GeneDx
Classification: Likely benign. Last evaluated: 2018-06-14. Review status: criteria provided, single submitter. Criteria: GeneDx Variant Classification Process June 2021. Collection method: clinical testing. Allele origin: germline. Affected: yes.